The following is an entry in ClinVar:

ClinVar aggregate classification (germline): Uncertain significance. Review status: criteria provided, multiple submitters, no conflicts (2 of 4 stars). 3 submissions from 3 submitters: Uncertain significance (3). Last evaluated 2026-02-17.

Conditions:
Malignant hyperthermia, susceptibility to, 1 (MHS1). Also called: Anesthesia related hyperthermia; Malignant hyperpyrexia; Fulminating hyperpyrexia; Pharmacogenic myopathy; RYR1-Related Malignant Hyperthermia Susceptibility; Malignant hyperthermia suceptibility 1. Identifiers: Orphanet 423, MedGen C2930980, MONDO:0007783, OMIM 145600.
Inborn genetic diseases. Identifiers: MedGen C0950123, MeSH D030342.

Allele frequency attached by ClinVar (database versions not stated): TOPMed below 0.00001.

Submissions (3):

Ambry Genetics
Classification: Uncertain significance for Inborn genetic diseases. Last evaluated: 2026-02-17. Review status: criteria provided, single submitter. Criteria: Ambry Variant Classification Scheme 2023. Collection method: clinical testing. Allele origin: germline.

Color Diagnostics, LLC DBA Color Health
Classification: Uncertain significance for Malignant hyperthermia, susceptibility to, 1. Last evaluated: 2024-03-06. Review status: criteria provided, single submitter. Criteria: ACMG Guidelines, 2015. Collection method: clinical testing. Allele origin: germline.
Comment: This missense variant replaces cysteine with tyrosine at codon 3917 of the RYR1 protein. Computational prediction suggests that this variant may not impact protein structure and function. To our knowledge, functional studies have not been reported for this variant. This variant has not been reported in individuals affected with RYR1-related disorders in the literature. This variant has not been identified in the general population by the Genome Aggregation Database (gnomAD). The available evidence is insufficient to determine the role of this variant in disease conclusively. Therefore, this variant is classified as a Variant of Uncertain Significance.

All of Us Research Program, National Institutes of Health
Classification: Uncertain significance for Malignant hyperthermia, susceptibility to, 1. Last evaluated: 2023-08-08. Review status: criteria provided, single submitter. Criteria: ACMG Guidelines, 2015. Collection method: clinical testing. Allele origin: germline. Inheritance: Autosomal dominant inheritance. Observed: 2 variant alleles, 2 heterozygotes.
Comment: This missense variant replaces cysteine with tyrosine at codon 3917 of the RYR1 protein. Computational prediction suggests that this variant may not impact protein structure and function (internally defined REVEL score threshold <= 0.5, PMID: 27666373). To our knowledge, functional studies have not been reported for this variant. This variant has not been reported in individuals affected with RYR1-related disorders in the literature. This variant has not been identified in the general population by the Genome Aggregation Database (gnomAD). The available evidence is insufficient to determine the role of this variant in disease conclusively. Therefore, this variant is classified as a Variant of Uncertain Significance.

This study involves interpretation of variants in research participants for the purpose of population health screening. Participant phenotype was not available at the time of variant classification. Additional details can be found in publication PMID: 35346344, PMCID: PMC8962531

NM_000540.3(RYR1):c.11750G>A (p.Cys3917Tyr)

Gene: RYR1 (ryanodine receptor 1; plus strand). Cytogenetic location: 19q13.2.
Variant type: single nucleotide variant.
Coding change: c.11750G>A on transcript NM_000540.3 (MANE Select); coding-DNA position 11750, G replaced by A.
Protein change: p.Cys3917Tyr; replaces cysteine 3917 with tyrosine.
Molecular consequence: missense variant.
Genome position (GRCh38, 1-based): chr19:38,543,407, G>A. VCF-style: chr19-38543407-G-A. GRCh37 (hg19) VCF-style: chr19-39034047-G-A.
Other names: c.11735G>A, p.Cys3912Tyr (NM_001042723.2); short protein forms C3912Y, C3917Y.
Identifiers: ClinVar variation 3071362 (VCV003071362.3), dbSNP rs1972285432, ClinGen allele CA405661312.